The following is an entry in ClinVar:

ClinVar aggregate classification (germline): Likely benign (1 of 4 stars; one submission).

Allele frequency attached by ClinVar (database versions not stated): ExAC 0.00001.
gnomAD v4.1: 3 of 1,614,122 alleles (0.00019%); highest among the groups gnomAD compares: South Asian, 0.0011%; no homozygotes.

Submission:

CeGaT Center for Human Genetics Tuebingen
Classification: Likely benign. Last evaluated: 2023-03-01. Review status: criteria provided, single submitter. Criteria: CeGaT Center For Human Genetics Tuebingen Variant Classification Criteria Version 2. Collection method: clinical testing. Allele origin: germline. Affected: yes. Observed: 1 variant allele.
Comment: SRSF2: BP4, BP7

NM_001195427.2(SRSF2):c.504G>A (p.Arg168=)

Gene: SRSF2 (serine and arginine rich splicing factor 2; minus strand). Cytogenetic location: 17q25.1.
Variant type: single nucleotide variant.
Coding change: c.504G>A on transcript NM_001195427.2 (MANE Select); coding-DNA position 504, G replaced by A.
Protein change: p.Arg168=; no amino-acid change (arginine 168 retained).
Molecular consequence: synonymous variant. On other transcripts: non-coding transcript variant (1).
Genome position (GRCh38, 1-based): chr17:76,736,323, C>T on the plus strand (G>A on the coding strand, the complement: SRSF2 is on the minus strand). VCF-style: chr17-76736323-C-T. GRCh37 (hg19) VCF-style: chr17-74732405-C-T.
Other names: c.504G>A, p.Arg168= (NM_003016.5).
Identifiers: ClinVar variation 2648319 (VCV002648319.24), dbSNP rs376398460, ClinGen allele CA8790319.